The following is an entry in ClinVar:

NM_000264.5(PTCH1):c.4193G>A (p.Cys1398Tyr)

Gene: PTCH1 (patched 1; minus strand). Cytogenetic location: 9q22.32.
Variant type: single nucleotide variant.
Coding change: c.4193G>A on transcript NM_000264.5 (MANE Select); coding-DNA position 4193, G replaced by A.
Protein change: p.Cys1398Tyr; replaces cysteine 1398 with tyrosine.
Molecular consequence: missense variant. On other transcripts: non-coding transcript variant (1).
Genome position (GRCh38, 1-based): chr9:95,447,063, C>T on the plus strand (G>A on the coding strand, the complement: PTCH1 is on the minus strand). VCF-style: chr9-95447063-C-T. GRCh37 (hg19) VCF-style: chr9-98209345-C-T.
Other names: c.3995G>A, p.Cys1332Tyr (NM_001083602.3); c.4190G>A, p.Cys1397Tyr (NM_001083603.3); c.3740G>A, p.Cys1247Tyr (NM_001083604.3, NM_001083605.3, NM_001083606.3 and 1 more transcripts); c.4037G>A, p.Cys1346Tyr (NM_001354918.2); short protein forms C1346Y, C1398Y, C1247Y, C1332Y, C1397Y.
Identifiers: ClinVar variation 1970064 (VCV001970064.7), dbSNP rs1564004796, ClinGen allele CA374110149.

ClinVar aggregate classification (germline): Conflicting classifications of pathogenicity. Review status: criteria provided, conflicting classifications (1 of 4 stars). 3 submissions from 3 submitters: Uncertain significance (2); Likely benign (1). Last evaluated 2026-02-25.

Conditions:
Gorlin syndrome. Also called: Nevoid Basal Cell Carcinoma Syndrome; Basal cell nevus syndrome. Identifiers: Orphanet 377, MedGen C0004779, MONDO:0007187.
Hereditary cancer-predisposing syndrome. Also called: Hereditary neoplastic syndrome; Hereditary Cancer Syndrome; Neoplastic Syndromes, Hereditary; Tumor predisposition. Identifiers: Orphanet 140162, MedGen C0027672, MeSH D009386, MONDO:0015356.
PTCH1-related disorder. Also called: PTCH1-related disorders; PTCH1-related condition.

Allele frequency attached by ClinVar (database versions not stated): gnomAD exomes below 0.00001; gnomAD 0.00001; TOPMed 0.00001.

Submissions (3):

PreventionGenetics, part of Exact Sciences
Classification: Uncertain significance for PTCH1-related condition. Last evaluated: 2026-02-25. Review status: criteria provided, single submitter. Criteria: ACMG Guidelines, 2015. Collection method: clinical testing. Allele origin: germline.
Comment: The PTCH1 c.4193G>A variant is predicted to result in the amino acid substitution p.Cys1398Tyr. This variant has been identified in an individual with clinical features consistent with PTCH1-related conditions (Slade et al. 2011. PubMed ID: 21188540). This variant is reported in 1 allele in gnomAD and has conflicting interpretations in ClinVar ranging from likely benign to uncertain (Variation ID: 1970064). At this time, the clinical significance of this variant is uncertain due to the absence of conclusive functional and genetic evidence.

Labcorp Genetics (formerly Invitae), Labcorp
Classification: Uncertain significance for Gorlin syndrome. Last evaluated: 2025-12-09. Review status: criteria provided, single submitter. Criteria: Invitae Variant Classification Sherloc (09022015). Collection method: clinical testing. Allele origin: germline.
Comment: This sequence change replaces cysteine, which is neutral and slightly polar, with tyrosine, which is neutral and polar, at codon 1398 of the PTCH1 protein (p.Cys1398Tyr). This variant is present in population databases (no rsID available, gnomAD no frequency). This missense change has been observed in individual(s) with medulloblastoma (PMID: 21188540). ClinVar contains an entry for this variant (Variation ID: 1970064). Invitae Evidence Modeling of protein sequence and biophysical properties (such as structural, functional, and spatial information, amino acid conservation, physicochemical variation, residue mobility, and thermodynamic stability) indicates that this missense variant is not expected to disrupt PTCH1 protein function with a negative predictive value of 95%. In summary, the available evidence is currently insufficient to determine the role of this variant in disease. Therefore, it has been classified as a Variant of Uncertain Significance.

Ambry Genetics
Classification: Likely benign for Hereditary cancer-predisposing syndrome. Last evaluated: 2024-04-17. Review status: criteria provided, single submitter. Criteria: Ambry Variant Classification Scheme 2023. Collection method: clinical testing. Allele origin: germline.

Literature cited by the submitters: PubMed 21188540 (cited by Labcorp Genetics (formerly Invitae), Labcorp and Ambry Genetics).